The following is an entry in ClinVar:

NM_001365951.3(KIF1B):c.5390T>C (p.Leu1797Pro)

Gene: KIF1B (kinesin family member 1B; plus strand). Cytogenetic location: 1p36.22.
Variant type: single nucleotide variant.
Coding change: c.5390T>C on transcript NM_001365951.3 (MANE Select); coding-DNA position 5390, T replaced by C.
Protein change: p.Leu1797Pro; replaces leucine 1797 with proline.
Molecular consequence: missense variant.
Genome position (GRCh38, 1-based): chr1:10,375,355, T>C. VCF-style: chr1-10375355-T-C. GRCh37 (hg19) VCF-style: chr1-10435413-T-C.
Other names: c.5390T>C, p.Leu1797Pro (NM_001365952.1); c.5252T>C, p.Leu1751Pro (NM_015074.3); short protein forms L1797P, L1751P.
Identifiers: ClinVar variation 3534001 (VCV003534001.1).

ClinVar aggregate classification (germline): Uncertain significance (1 of 4 stars; one submission).

gnomAD v4.1: 1 of 1,613,326 alleles (0.000062%); highest among the groups gnomAD compares: Non-Finnish European, 0.000085%; no homozygotes.

Submission:

Ambry Genetics
Classification: Uncertain significance. Last evaluated: 2024-09-02. Review status: criteria provided, single submitter. Criteria: Ambry Variant Classification Scheme 2023. Collection method: clinical testing. Allele origin: germline.
Comment: The p.L1751P variant (also known as c.5252T>C), located in coding exon 45 of the KIF1B gene, results from a T to C substitution at nucleotide position 5252. The leucine at codon 1751 is replaced by proline, an amino acid with similar properties. This amino acid position is conserved. In addition, this alteration is predicted to be deleterious by in silico analysis. Based on the available evidence, the clinical significance of this variant remains unclear.